The following is an entry in ClinVar:

NM_018127.7(ELAC2):c.983+9G>A

Gene: ELAC2 (elaC ribonuclease Z 2; minus strand). Cytogenetic location: 17p12.
Variant type: single nucleotide variant.
Coding change: c.983+9G>A on transcript NM_018127.7 (MANE Select); 9 bases into the intron after coding-DNA position 983, G replaced by A.
Molecular consequence: intron variant.
Genome position (GRCh38, 1-based): chr17:13,004,980, C>T on the plus strand (G>A on the coding strand, the complement: ELAC2 is on the minus strand). VCF-style: chr17-13004980-C-T. GRCh37 (hg19) VCF-style: chr17-12908297-C-T.
Other names: c.863+9G>A (NM_001165962.2); c.983+9G>A (NM_173717.2).
Identifiers: ClinVar variation 559209 (VCV000559209.15), dbSNP rs760385942, ClinGen allele CA8401421.

ClinVar aggregate classification (germline): Likely benign. Review status: criteria provided, multiple submitters, no conflicts (2 of 4 stars). 4 submissions from 4 submitters: Likely benign (2). 2 of the submissions do not count toward it. Last evaluated 2025-12-09.

Conditions:
ELAC2-related disorder. Also called: ELAC2-related condition.
Combined oxidative phosphorylation defect type 17. Also called: Combined oxidative phosphorylation deficiency 17. Identifiers: Orphanet 369913, MedGen C3809526, MONDO:0014190, OMIM 615440.

Allele frequency attached by ClinVar (database versions not stated): gnomAD 0.00004 and 0.00005; TOPMed 0.00008.
gnomAD v4.1: 70 of 1,602,686 alleles (0.0044%); highest among the groups gnomAD compares: Admixed American, 0.01%; no homozygotes.

Submissions (4):

Labcorp Genetics (formerly Invitae), Labcorp
Classification: Likely benign for Combined oxidative phosphorylation defect type 17. Last evaluated: 2025-12-09. Review status: criteria provided, single submitter. Criteria: Invitae Variant Classification Sherloc (09022015). Collection method: clinical testing. Allele origin: germline.

GeneDx
Classification: Likely benign. Last evaluated: 2018-04-24. Review status: criteria provided, single submitter. Criteria: GeneDx Variant Classification (06012015). Collection method: clinical testing. Allele origin: germline. Affected: yes.
Comment: This variant is considered likely benign or benign based on one or more of the following criteria: it is a conservative change, it occurs at a poorly conserved position in the protein, it is predicted to be benign by multiple in silico algorithms, and/or has population frequency not consistent with disease.

PreventionGenetics, part of Exact Sciences
Classification: Likely benign for ELAC2-related condition. Last evaluated: 2019-07-02. Review status: no assertion criteria provided. Collection method: clinical testing. Allele origin: germline. Not counted in ClinVar's aggregate classification.
Comment: This variant is classified as likely benign based on ACMG/AMP sequence variant interpretation guidelines (Richards et al. 2015 PMID: 25741868, with internal and published modifications).

Mayo Clinic Laboratories, Mayo Clinic
Classification: Likely benign. Last evaluated: 2017-07-13. Review status: no assertion criteria provided. Collection method: clinical testing. Allele origin: unknown. Not counted in ClinVar's aggregate classification.